The following is an entry in ClinVar:

ClinVar aggregate classification (germline): Pathogenic (1 of 4 stars; one submission).

Conditions:
Niemann-Pick disease, type C2 (NPC2). Identifiers: Orphanet 646, MedGen C1843366, MONDO:0011873, OMIM 607625.

Submission:

Labcorp Genetics (formerly Invitae), Labcorp
Classification: Pathogenic for Niemann-Pick disease, type C2. Last evaluated: 2024-10-17. Review status: criteria provided, single submitter. Criteria: Invitae Variant Classification Sherloc (09022015). Collection method: clinical testing. Allele origin: germline.
Comment: This sequence change creates a premature translational stop signal (p.Glu36*) in the NPC2 gene. It is expected to result in an absent or disrupted protein product. Loss-of-function variants in NPC2 are known to be pathogenic (PMID: 25145893). This variant is not present in population databases (gnomAD no frequency). This variant has not been reported in the literature in individuals affected with NPC2-related conditions. ClinVar contains an entry for this variant (Variation ID: 1455561). Algorithms developed to predict the effect of sequence changes on RNA splicing suggest that this variant may disrupt the consensus splice site. For these reasons, this variant has been classified as Pathogenic.

Literature cited by the submitters: PubMed 25145893.

NM_006432.5(NPC2):c.106G>T (p.Glu36Ter)

Gene: NPC2 (NPC intracellular cholesterol transporter 2; minus strand). Cytogenetic location: 14q24.3.
Variant type: single nucleotide variant.
Coding change: c.106G>T on transcript NM_006432.5 (MANE Select); coding-DNA position 106, G replaced by T.
Protein change: p.Glu36Ter; replaces glutamic acid 36 with a stop codon.
Molecular consequence: nonsense.
Genome position (GRCh38, 1-based): chr14:74,486,413, C>A on the plus strand (G>T on the coding strand, the complement: NPC2 is on the minus strand). VCF-style: chr14-74486413-C-A. GRCh37 (hg19) VCF-style: chr14-74953116-C-A.
Other names: c.106G>T, p.Glu36Ter (NM_001363688.1, NM_001375440.1); short protein forms E36*.
Identifiers: ClinVar variation 1455561 (VCV001455561.6), dbSNP rs2139670174, ClinGen allele CA390532813.